The following is an entry in ClinVar:

ClinVar aggregate classification (germline): Likely pathogenic (1 of 4 stars; one submission).

Submission:

Labcorp Genetics (formerly Invitae), Labcorp
Classification: Likely pathogenic. Last evaluated: 2023-09-01. Review status: criteria provided, single submitter. Criteria: Invitae Variant Classification Sherloc (09022015). Collection method: clinical testing. Allele origin: unknown.
Comment: In summary, the currently available evidence indicates that the variant is pathogenic, but additional data are needed to prove that conclusively. Therefore, this variant has been classified as Likely Pathogenic. This variant has not been reported in the literature in individuals affected with ZNF341-related conditions. This variant results in a copy number gain of the genomic region encompassing exon(s) 8 of the ZNF341 gene. While the exact position of this variant cannot be determined from the data, sub-genic copy number gains are generally in tandem (PMID: 25640679). This variant is predicted to be out-of-frame, and may result in an absent or disrupted protein product. Loss-of-function variants in ZNF341 are known to be pathogenic (PMID: 29907690, 29907691).

Literature cited by the submitters: PubMed 25640679; PubMed 29907690; PubMed 29907691.

NC_000020.10:g.(?_32349648)_(32349881_?)dup

Gene: ZNF341 (zinc finger protein 341; plus strand). Cytogenetic location: 20q11.22.
Variant type: Duplication.
Identifiers: ClinVar variation 3248359 (VCV003248359.1).